The following is an entry in ClinVar:

ClinVar aggregate classification (germline): Uncertain significance. Review status: criteria provided, multiple submitters, no conflicts (2 of 4 stars). 2 submissions from 2 submitters: Uncertain significance (2). Last evaluated 2026-06-08.

Conditions:
Hereditary cancer-predisposing syndrome. Also called: Tumor predisposition; Hereditary neoplastic syndrome; Neoplastic Syndromes, Hereditary; Hereditary Cancer Syndrome. Identifiers: Orphanet 140162, MedGen C0027672, MeSH D009386, MONDO:0015356.

Submissions (2):

Ambry Genetics
Classification: Uncertain significance for Hereditary cancer-predisposing syndrome. Last evaluated: 2026-06-08. Review status: criteria provided, single submitter. Criteria: Ambry Variant Classification Scheme 2023. Collection method: clinical testing. Allele origin: germline.
Comment: The p.H791Q variant (also known as c.2373T>G), located in coding exon 17 of the MSH3 gene, results from a T to G substitution at nucleotide position 2373. The histidine at codon 791 is replaced by glutamine, an amino acid with highly similar properties. This amino acid position is conserved. In addition, this alteration is predicted to be tolerated by in silico analysis. Based on the available evidence, the clinical significance of this variant remains unclear.

Labcorp Genetics (formerly Invitae), Labcorp
Classification: Uncertain significance. Last evaluated: 2023-09-01. Review status: criteria provided, single submitter. Criteria: Invitae Variant Classification Sherloc (09022015). Collection method: clinical testing. Allele origin: germline.
Comment: An algorithm developed to predict the effect of missense changes on protein structure and function (PolyPhen-2) suggests that this variant is likely to be tolerated. This sequence change replaces histidine, which is basic and polar, with glutamine, which is neutral and polar, at codon 791 of the MSH3 protein (p.His791Gln). This variant is not present in population databases (gnomAD no frequency). This variant has not been reported in the literature in individuals affected with MSH3-related conditions. In summary, the available evidence is currently insufficient to determine the role of this variant in disease. Therefore, it has been classified as a Variant of Uncertain Significance.

NM_002439.5(MSH3):c.2373T>G (p.His791Gln)

Gene: MSH3 (mutS homolog 3; plus strand). Cytogenetic location: 5q14.1.
Variant type: single nucleotide variant.
Coding change: c.2373T>G on transcript NM_002439.5 (MANE Select); coding-DNA position 2373, T replaced by G.
Protein change: p.His791Gln; replaces histidine 791 with glutamine.
Molecular consequence: missense variant.
Genome position (GRCh38, 1-based): chr5:80,778,774, T>G. VCF-style: chr5-80778774-T-G. GRCh37 (hg19) VCF-style: chr5-80074593-T-G.
Other names: c.2373T>G (NM_002439.3); short protein forms H791Q.
Identifiers: ClinVar variation 2757177 (VCV002757177.4), dbSNP rs1327575538, ClinGen allele CA360281812.